The following is an entry in ClinVar:

NM_152701.5(ABCA13):c.13461G>T (p.Arg4487Ser)

Gene: ABCA13 (ATP binding cassette subfamily A member 13; plus strand). Cytogenetic location: 7p12.3.
Variant type: single nucleotide variant.
Coding change: c.13461G>T on transcript NM_152701.5 (MANE Select); coding-DNA position 13461, G replaced by T.
Protein change: p.Arg4487Ser; replaces arginine 4487 with serine.
Molecular consequence: missense variant.
Genome position (GRCh38, 1-based): chr7:48,507,986, G>T. VCF-style: chr7-48507986-G-T. GRCh37 (hg19) VCF-style: chr7-48547582-G-T.
Other names: short protein forms R4487S.
Identifiers: ClinVar variation 4870135 (VCV004870135.1).

ClinVar aggregate classification (germline): Uncertain significance (1 of 4 stars; one submission).

Submission:

Ambry Genetics
Classification: Uncertain significance. Last evaluated: 2026-05-11. Review status: criteria provided, single submitter. Criteria: Ambry Variant Classification Scheme 2023. Collection method: clinical testing. Allele origin: germline.
Comment: The c.13461G>T (p.R4487S) alteration is located in exon 50 (coding exon 50) of the ABCA13 gene. This alteration results from a G to T substitution at nucleotide position 13461, causing the arginine (R) at amino acid position 4487 to be replaced by a serine (S). Based on data from gnomAD, the T allele has an overall frequency of <0.001% (1/248902) total alleles studied. The highest observed frequency was 0.001% (1/112804) of European (non-Finnish) alleles. Based on insufficient or conflicting evidence, the clinical significance of this alteration remains unclear.